The following is an entry in ClinVar:

ClinVar aggregate classification (germline): Pathogenic (1 of 4 stars; one submission).

Submission:

GeneDx
Classification: Pathogenic. Last evaluated: 2026-08-21. Review status: criteria provided, single submitter. Criteria: GeneDx Variant Classification Process June 2021. Collection method: clinical testing. Allele origin: germline.
Comment: Frameshift variant predicted to result in protein truncation or nonsense mediated decay in a gene for which loss of function is a known mechanism of disease; Not observed at significant frequency in large population cohorts (gnomAD); Has not been previously published as pathogenic or benign to our knowledge

NM_003185.4(TAF4):c.296dup (p.Gly100fs)

Gene: TAF4 (TATA-box binding protein associated factor 4; minus strand). Cytogenetic location: 20q13.33.
Variant type: Duplication.
Coding change: c.296dup on transcript NM_003185.4 (MANE Select); coding-DNA position 296, one base duplicated (G; older notation c.296dupG).
Protein change: p.Gly100fs; shifts the reading frame from glycine 100.
Molecular consequence: frameshift variant.
Genome position (GRCh38, 1-based): chr20:62,065,515, C duplicated on the plus strand (G on the coding strand, the reverse complement: TAF4 is on the minus strand); the first of 6 consecutive C bases (chr20:62,065,515-62,065,520); duplicating any one gives the same sequence. VCF-style (leftmost placement, unchanged base first): chr20-62065514-G-GC. GRCh37 (hg19) VCF-style: chr20-60640570-G-GC.
Other names: short protein forms G100fs.
Identifiers: ClinVar variation 2499361 (VCV002499361.2), dbSNP rs1180230428, ClinGen allele CA2374063978.